The following is an entry in ClinVar:

ClinVar aggregate classification (germline): Uncertain significance (1 of 4 stars; one submission).

gnomAD v4.1: 13 of 1,614,056 alleles (0.00081%); highest among the groups gnomAD compares: East Asian, 0.0089%; no homozygotes.

Submission:

Labcorp Genetics (formerly Invitae), Labcorp
Classification: Uncertain significance. Last evaluated: 2025-04-21. Review status: criteria provided, single submitter. Criteria: Invitae Variant Classification Sherloc (09022015). Collection method: clinical testing. Allele origin: germline.
Comment: This sequence change replaces arginine, which is basic and polar, with glutamine, which is neutral and polar, at codon 97 of the ANKZF1 protein (p.Arg97Gln). This variant is present in population databases (rs761017394, gnomAD 0.02%). This variant has not been reported in the literature in individuals affected with ANKZF1-related conditions. An algorithm developed to predict the effect of missense changes on protein structure and function (PolyPhen-2) suggests that this variant is likely to be disruptive. In summary, the available evidence is currently insufficient to determine the role of this variant in disease. Therefore, it has been classified as a Variant of Uncertain Significance.

NM_018089.3(ANKZF1):c.290G>A (p.Arg97Gln)

Gene: ANKZF1 (ankyrin repeat and zinc finger peptidyl tRNA hydrolase 1; plus strand). Cytogenetic location: 2q35.
Variant type: single nucleotide variant.
Coding change: c.290G>A on transcript NM_018089.3 (MANE Select); coding-DNA position 290, G replaced by A.
Protein change: p.Arg97Gln; replaces arginine 97 with glutamine.
Molecular consequence: missense variant. On other transcripts: intron variant (1).
Genome position (GRCh38, 1-based): chr2:219,232,288, G>A. VCF-style: chr2-219232288-G-A. GRCh37 (hg19) VCF-style: chr2-220097010-G-A.
Other names: c.290G>A, p.Arg97Gln (NM_001042410.2); c.-266-202G>A (NM_001282792.2); short protein forms R97Q.
Identifiers: ClinVar variation 4804838 (VCV004804838.1).
Genomic context (GRCh38, chr2:219,232,288, plus strand): 5'-CACCTTTATCTCACTCTTTGTCTTTGTACTAGAGGGAACATTATAAGCTTGACTGGCATC[G>A]GTTTAACCTAAAGCAACGTCTCAAGGACAAGCCTCTCCTGTCTGCCCTGGACTTTGAAAA-3'
Protein context (NP_060559.2, residues 87-107): QREHYKLDWH[Arg97Gln]FNLKQRLKDK